The following is an entry in ClinVar:

ClinVar aggregate classification (germline): Uncertain significance (1 of 4 stars; one submission).

Conditions:
Amyotrophic lateral sclerosis type 1 (ALS1). Also called: AMYOTROPHIC LATERAL SCLEROSIS 1, FAMILIAL. Identifiers: Orphanet 803, MedGen C1862939, MONDO:0007103, OMIM 105400.
Neuronopathy, distal hereditary motor, type 7B. Also called: HMN VIIB; LOWER MOTOR NEURON DISEASE, DYNACTIN TYPE; NEURONOPATHY, DISTAL HEREDITARY MOTOR, AUTOSOMAL DOMINANT 14; NEURONOPATHY, DISTAL HEREDITARY MOTOR, HARDING TYPE VIIB; NEUROPATHY, DISTAL HEREDITARY MOTOR, HARDING TYPE VIIB; NEUROPATHY, DISTAL HEREDITARY MOTOR, WITH VOCAL CORD PARALYSIS, HARDING TYPE VIIB. Identifiers: Orphanet 139589, MedGen C1843315, MONDO:0011879, OMIM 607641.
Perry syndrome. Also called: PARKINSONISM WITH ALVEOLAR HYPOVENTILATION AND MENTAL DEPRESSION. Identifiers: Orphanet 178509, MedGen C1868594, MONDO:0008201, OMIM 168605.

Submission:

Labcorp Genetics (formerly Invitae), Labcorp
Classification: Uncertain significance for Amyotrophic lateral sclerosis type 1; Neuronopathy, distal hereditary motor, type 7B; Perry syndrome. Last evaluated: 2024-06-01. Review status: criteria provided, single submitter. Criteria: Invitae Variant Classification Sherloc (09022015). Collection method: clinical testing. Allele origin: germline.
Comment: This sequence change replaces proline, which is neutral and non-polar, with leucine, which is neutral and non-polar, at codon 811 of the DCTN1 protein (p.Pro811Leu). This variant is present in population databases (rs150928856, gnomAD 0.004%). This variant has not been reported in the literature in individuals affected with DCTN1-related conditions. Advanced modeling of protein sequence and biophysical properties (such as structural, functional, and spatial information, amino acid conservation, physicochemical variation, residue mobility, and thermodynamic stability) has been performed at Invitae for this missense variant, however the output from this modeling did not meet the statistical confidence thresholds required to predict the impact of this variant on DCTN1 protein function. In summary, the available evidence is currently insufficient to determine the role of this variant in disease. Therefore, it has been classified as a Variant of Uncertain Significance.

NM_004082.5(DCTN1):c.2432C>T (p.Pro811Leu)

Gene: DCTN1 (dynactin subunit 1; minus strand). Cytogenetic location: 2p13.1.
Variant type: single nucleotide variant.
Coding change: c.2432C>T on transcript NM_004082.5 (MANE Select); coding-DNA position 2432, C replaced by T.
Protein change: p.Pro811Leu; replaces proline 811 with leucine.
Molecular consequence: missense variant. On other transcripts: non-coding transcript variant (1).
Genome position (GRCh38, 1-based): chr2:74,366,817, G>A on the plus strand (C>T on the coding strand, the complement: DCTN1 is on the minus strand). VCF-style: chr2-74366817-G-A. GRCh37 (hg19) VCF-style: chr2-74593944-G-A.
Other names: c.2372C>T, p.Pro791Leu (NM_001135040.3); c.2030C>T, p.Pro677Leu (NM_001135041.3, NM_023019.4); c.2321C>T, p.Pro774Leu (NM_001190836.2); c.2411C>T, p.Pro804Leu (NM_001190837.2); c.2381C>T, p.Pro794Leu (NM_001378991.1); c.2363C>T, p.Pro788Leu (NM_001378992.1); short protein forms P677L, P774L, P811L, P804L, P788L, P791L, P794L.
Identifiers: ClinVar variation 2946204 (VCV002946204.3), dbSNP rs150928856, ClinGen allele CA1721844.